The following is an entry in ClinVar:

NM_053025.4(MYLK):c.2761G>A (p.Glu921Lys)

Gene: MYLK (myosin light chain kinase; minus strand). Cytogenetic location: 3q21.1.
Variant type: single nucleotide variant.
Coding change: c.2761G>A on transcript NM_053025.4 (MANE Select); coding-DNA position 2761, G replaced by A.
Protein change: p.Glu921Lys; replaces glutamic acid 921 with lysine.
Molecular consequence: missense variant.
Genome position (GRCh38, 1-based): chr3:123,700,707, C>T on the plus strand (G>A on the coding strand, the complement: MYLK is on the minus strand). VCF-style: chr3-123700707-C-T. GRCh37 (hg19) VCF-style: chr3-123419554-C-T.
Other names: c.2233G>A, p.Glu745Lys (NM_001321309.2); c.2554G>A, p.Glu852Lys (NM_053026.4, NM_053028.4); c.2761G>A, p.Glu921Lys (NM_053027.4); short protein forms E745K, E852K, E921K.
Identifiers: ClinVar variation 660931 (VCV000660931.15), dbSNP rs202223681, ClinGen allele CA069000.

ClinVar aggregate classification (germline): Conflicting classifications of pathogenicity. Review status: criteria provided, conflicting classifications (1 of 4 stars). 5 submissions from 5 submitters: Uncertain significance (4); Likely benign (1). Last evaluated 2026-01-08.

Conditions:
MYLK-related disorder. Also called: MYLK-related condition.
Megacystis-microcolon-intestinal hypoperistalsis syndrome 1. Identifiers: MedGen C5542316, MONDO:0100354, OMIM 249210.
Aortic aneurysm, familial thoracic 7 (AAT7). Also called: AORTIC DISSECTION, FAMILIAL, WITH OR WITHOUT AORTIC ANEURYSM. Identifiers: MedGen C3151077, MONDO:0013418, OMIM 613780.
Familial thoracic aortic aneurysm and aortic dissection (TAAD). Also called: Thoracic aortic aneurysms and dissections. Identifiers: Orphanet 91387, MedGen C4707243, MONDO:0019625.

Allele frequency attached by ClinVar (database versions not stated): gnomAD exomes 0.00005 and 0.00012; gnomAD 0.00006 and 0.00007; ESP Exome Variant Server 0.00008; ExAC 0.00011; TOPMed 0.00011; 1000 Genomes Project 30x 0.00016; 1000 Genomes Project 0.00020.
gnomAD v4.1: 99 of 1,614,158 alleles (0.0061%); highest among the groups gnomAD compares: African/African-American, 0.0067%; no homozygotes.

Submissions (5):

Labcorp Genetics (formerly Invitae), Labcorp
Classification: Uncertain significance for Aortic aneurysm, familial thoracic 7. Last evaluated: 2026-01-08. Review status: criteria provided, single submitter. Criteria: Invitae Variant Classification Sherloc (09022015). Collection method: clinical testing. Allele origin: germline.
Comment: This sequence change replaces glutamic acid, which is acidic and polar, with lysine, which is basic and polar, at codon 921 of the MYLK protein (p.Glu921Lys). The frequency data for this variant in the population databases is considered unreliable, as metrics indicate poor data quality at this position in the gnomAD database. This variant has not been reported in the literature in individuals affected with MYLK-related conditions. ClinVar contains an entry for this variant (Variation ID: 660931). Invitae Evidence Modeling of protein sequence and biophysical properties (such as structural, functional, and spatial information, amino acid conservation, physicochemical variation, residue mobility, and thermodynamic stability) indicates that this missense variant is not expected to disrupt MYLK protein function with a negative predictive value of 80%. In summary, the available evidence is currently insufficient to determine the role of this variant in disease. Therefore, it has been classified as a Variant of Uncertain Significance.

PreventionGenetics, part of Exact Sciences
Classification: Likely benign for MYLK-related condition. Last evaluated: 2025-09-09. Review status: criteria provided, single submitter. Criteria: ACMG Guidelines, 2015. Collection method: clinical testing. Allele origin: germline.
Comment: This variant is classified as likely benign based on ACMG/AMP sequence variant interpretation guidelines (Richards et al. 2015 PMID: 25741868, with internal and published modifications).

Ambry Genetics
Classification: Uncertain significance for Familial thoracic aortic aneurysm and aortic dissection. Last evaluated: 2024-04-05. Review status: criteria provided, single submitter. Criteria: Ambry Variant Classification Scheme 2023. Collection method: clinical testing. Allele origin: germline.
Comment: The p.E921K variant (also known as c.2761G>A), located in coding exon 15 of the MYLK gene, results from a G to A substitution at nucleotide position 2761. The glutamic acid at codon 921 is replaced by lysine, an amino acid with similar properties. This amino acid position is well conserved in available vertebrate species. In addition, the in silico prediction for this alteration is inconclusive. Based on the available evidence, the clinical significance of this variant remains unclear.

ARUP Laboratories, Molecular Genetics and Genomics, ARUP Laboratories
Classification: Uncertain significance. Last evaluated: 2023-10-19. Review status: criteria provided, single submitter. Criteria: ARUP Molecular Germline Variant Investigation Process 2024. Collection method: clinical testing. Allele origin: germline.
Comment: The MYLK c.2761G>A; p.Glu921Lys variant (rs202223681), to our knowledge, is not reported in the medical literature but is reported in ClinVar (Variation ID: 660931). This variant is found in the general population with an overall allele frequency of 0.01% (32/282,838 alleles) in the Genome Aggregation Database. Computational analyses are uncertain whether this variant is neutral or deleterious (REVEL: 0.32). Due to limited information, the clinical significance of this variant is uncertain at this time.

Fulgent Genetics
Classification: Uncertain significance for Megacystis-microcolon-intestinal hypoperistalsis syndrome 1; Aortic aneurysm, familial thoracic 7. Last evaluated: 2021-09-14. Review status: criteria provided, single submitter. Criteria: ACMG Guidelines, 2015. Collection method: clinical testing. Allele origin: unknown.